The following is an entry in ClinVar:

ClinVar aggregate classification (germline): Likely benign (0 of 4 stars; one submission).

Conditions:
RAD51D-related disorder. Also called: RAD51D-related condition.

Submission:

PreventionGenetics, part of Exact Sciences
Classification: Likely benign for RAD51D-related condition. Last evaluated: 2023-02-08. Review status: no assertion criteria provided. Collection method: clinical testing. Allele origin: germline.
Comment: This variant is classified as likely benign based on ACMG/AMP sequence variant interpretation guidelines (Richards et al. 2015 PMID: 25741868, with internal and published modifications).

NM_002878.4(RAD51D):c.263+1628G>A

Genes: RAD51D (RAD51 paralog D; minus strand), RAD51L3-RFFL (RAD51L3-RFFL readthrough; minus strand). Cytogenetic location: 17q12.
Variant type: single nucleotide variant.
Coding change: c.263+1628G>A on transcript NM_002878.4 (MANE Select); 1628 bases into the intron after coding-DNA position 263, G replaced by A.
Molecular consequence: intron variant. On other transcripts: synonymous variant (1).
Genome position (GRCh38, 1-based): chr17:35,116,873, C>T on the plus strand (G>A on the coding strand, the complement: RAD51D is on the minus strand). VCF-style: chr17-35116873-C-T. GRCh37 (hg19) VCF-style: chr17-33443892-C-T.
Other names: c.309G>A, p.Ala103= (NM_001142571.2); c.144+2238G>A (NM_133629.3).
Identifiers: ClinVar variation 3052341 (VCV003052341.2), dbSNP rs949444656, ClinGen allele CA290005041.